The following is an entry in ClinVar:

NM_003482.4(KMT2D):c.8321G>T (p.Arg2774Leu)

Gene: KMT2D (lysine methyltransferase 2D; minus strand). Cytogenetic location: 12q13.12.
Variant type: single nucleotide variant.
Coding change: c.8321G>T on transcript NM_003482.4 (MANE Select); coding-DNA position 8321, G replaced by T.
Protein change: p.Arg2774Leu; replaces arginine 2774 with leucine.
Molecular consequence: missense variant.
Genome position (GRCh38, 1-based): chr12:49,039,267, C>A on the plus strand (G>T on the coding strand, the complement: KMT2D is on the minus strand). VCF-style: chr12-49039267-C-A. GRCh37 (hg19) VCF-style: chr12-49433050-C-A.
Other names: short protein forms R2774L.
Identifiers: ClinVar variation 2635190 (VCV002635190.2), dbSNP rs749475908, ClinGen allele CA6546866.

ClinVar aggregate classification (germline): Conflicting classifications of pathogenicity. Review status: criteria provided, conflicting classifications (1 of 4 stars). 2 submissions from 2 submitters: Uncertain significance (1); Benign (1). Last evaluated 2025-04-20.

Conditions:
KMT2D-related disorder. Also called: KMT2D-Related Disorders.
Kabuki syndrome. Also called: Kabuki make-up syndrome; NIIKAWA-KUROKI SYNDROME. Identifiers: Orphanet 2322, MedGen C0796004, MONDO:0016512.

gnomAD v4.1: 6 of 1,613,574 alleles (0.00037%); highest among the groups gnomAD compares: East Asian, 0.0022%; no homozygotes.

Submissions (2):

Labcorp Genetics (formerly Invitae), Labcorp
Classification: Benign for Kabuki syndrome. Last evaluated: 2025-04-20. Review status: criteria provided, single submitter. Criteria: Invitae Variant Classification Sherloc (09022015). Collection method: clinical testing. Allele origin: germline.

PreventionGenetics, part of Exact Sciences
Classification: Uncertain significance for KMT2D-related condition. Last evaluated: 2022-12-22. Review status: criteria provided, single submitter. Criteria: ACMG Guidelines, 2015. Collection method: clinical testing. Allele origin: germline.
Comment: The KMT2D c.8321G>T variant is predicted to result in the amino acid substitution p.Arg2774Leu. To our knowledge, this variant has not been reported in the literature. This variant is reported in 0.030% of alleles in individuals of Ashkenazi Jewish descent in gnomAD. Although we suspect that this variant may be benign, at this time, the clinical significance of this variant is uncertain due to the absence of conclusive functional and genetic evidence.